The following is an entry in ClinVar:

ClinVar aggregate classification (germline): Uncertain significance (1 of 4 stars; one submission).

Conditions:
Cardiovascular phenotype. Identifiers: MedGen CN230736.

Submission:

Ambry Genetics
Classification: Uncertain significance for Cardiovascular phenotype. Last evaluated: 2025-05-18. Review status: criteria provided, single submitter. Criteria: Ambry Variant Classification Scheme 2023. Collection method: clinical testing. Allele origin: germline.
Comment: The p.S927R variant (also known as c.2779A>C), located in coding exon 16 of the EPHB4 gene, results from an A to C substitution at nucleotide position 2779. The serine at codon 927 is replaced by arginine, an amino acid with dissimilar properties. This amino acid position is conserved. In addition, this alteration is predicted to be tolerated by in silico analysis. Based on the available evidence, the clinical significance of this variant remains unclear.

NM_004444.5(EPHB4):c.2779A>C (p.Ser927Arg)

Gene: EPHB4 (EPH receptor B4; minus strand). Cytogenetic location: 7q22.1.
Variant type: single nucleotide variant.
Coding change: c.2779A>C on transcript NM_004444.5 (MANE Select); coding-DNA position 2779, A replaced by C.
Protein change: p.Ser927Arg; replaces serine 927 with arginine.
Molecular consequence: missense variant.
Genome position (GRCh38, 1-based): chr7:100,805,221, T>G on the plus strand (A>C on the coding strand, the complement: EPHB4 is on the minus strand). VCF-style: chr7-100805221-T-G. GRCh37 (hg19) VCF-style: chr7-100402843-T-G.
Other names: short protein forms S927R.
Identifiers: ClinVar variation 4018812 (VCV004018812.1).